The following is an entry in ClinVar:

NM_001122630.2(CDKN1C):c.593C>G (p.Ala198Gly)

Gene: CDKN1C (cyclin dependent kinase inhibitor 1C; minus strand). Cytogenetic location: 11p15.4.
Variant type: single nucleotide variant.
Coding change: c.593C>G on transcript NM_001122630.2 (MANE Select); coding-DNA position 593, C replaced by G.
Protein change: p.Ala198Gly; replaces alanine 198 with glycine.
Molecular consequence: missense variant. On other transcripts: intron variant (1).
Genome position (GRCh38, 1-based): chr11:2,884,864, G>C on the plus strand (C>G on the coding strand, the complement: CDKN1C is on the minus strand). VCF-style: chr11-2884864-G-C. GRCh37 (hg19) VCF-style: chr11-2906094-G-C.
Other names: c.626C>G, p.Ala209Gly (LRG_533t1, NM_000076.2, NM_001362474.2); c.593C>G, p.Ala198Gly (NM_001122631.2); c.255+338C>G (NM_001362475.2); short protein forms A209G, A198G.
Identifiers: ClinVar variation 566752 (VCV000566752.10), dbSNP rs1564929680, ClinGen allele CA379146239.

ClinVar aggregate classification (germline): Uncertain significance (1 of 4 stars; one submission).

Conditions:
Beckwith-Wiedemann syndrome (BWS). Also called: Exomphalos macroglossia gigantism syndrome; EMG SYNDROME. Identifiers: Orphanet 116, MedGen C0004903, MONDO:0007534, OMIM 130650.

gnomAD v4.1: 2 of 779,126 alleles (0.00026%); highest among the groups gnomAD compares: Non-Finnish European, 0.00031%; no homozygotes.

Submission:

Labcorp Genetics (formerly Invitae), Labcorp
Classification: Uncertain significance for Beckwith-Wiedemann syndrome. Last evaluated: 2021-06-30. Review status: criteria provided, single submitter. Criteria: Invitae Variant Classification Sherloc (09022015). Collection method: clinical testing. Allele origin: germline.
Comment: This sequence change replaces alanine with glycine at codon 209 of the CDKN1C protein (p.Ala209Gly). The alanine residue is weakly conserved and there is a small physicochemical difference between alanine and glycine. While this variant is not present in population databases, the frequency information is unreliable, as metrics indicate poor data quality at this position in the ExAC database. This variant has not been reported in the literature in individuals with CDKN1C-related disease. Algorithms developed to predict the effect of missense changes on protein structure and function output the following: SIFT: "Tolerated"; Align-GVGD: "Class C0". The glycine amino acid residue is found in multiple mammalian species, suggesting that this missense change does not adversely affect protein function. These predictions have not been confirmed by published functional studies and their clinical significance is uncertain. In summary, the available evidence is currently insufficient to determine the role of this variant in disease. Therefore, it has been classified as a Variant of Uncertain Significance.